The following is an entry in ClinVar:

ClinVar aggregate classification (germline): Uncertain significance (1 of 4 stars; one submission).

Conditions:
Hereditary cancer-predisposing syndrome. Also called: Tumor predisposition; Hereditary neoplastic syndrome; Neoplastic Syndromes, Hereditary; Hereditary Cancer Syndrome. Identifiers: Orphanet 140162, MedGen C0027672, MeSH D009386, MONDO:0015356.

Submission:

Ambry Genetics
Classification: Uncertain significance for Hereditary cancer-predisposing syndrome. Last evaluated: 2025-05-16. Review status: criteria provided, single submitter. Criteria: Ambry Variant Classification Scheme 2023. Collection method: clinical testing. Allele origin: germline.
Comment: The p.Y157F variant (also known as c.470A>T), located in coding exon 4 of the EPCAM gene, results from an A to T substitution at nucleotide position 470. The tyrosine at codon 157 is replaced by phenylalanine, an amino acid with highly similar properties. This amino acid position is conserved. In addition, this alteration is predicted to be tolerated by in silico analysis. Based on the available evidence, the clinical significance of this variant remains unclear.

NM_002354.3(EPCAM):c.470A>T (p.Tyr157Phe)

Gene: EPCAM (epithelial cell adhesion molecule; plus strand). Cytogenetic location: 2p21.
Variant type: single nucleotide variant.
Coding change: c.470A>T on transcript NM_002354.3 (MANE Select); coding-DNA position 470, A replaced by T.
Protein change: p.Tyr157Phe; replaces tyrosine 157 with phenylalanine.
Molecular consequence: missense variant.
Genome position (GRCh38, 1-based): chr2:47,375,278, A>T. VCF-style: chr2-47375278-A-T. GRCh37 (hg19) VCF-style: chr2-47602417-A-T.
Other names: short protein forms Y157F.
Identifiers: ClinVar variation 4018577 (VCV004018577.1).